The following is an entry in ClinVar:

NM_004171.4(SLC1A2):c.1541T>C (p.Ile514Thr)

Gene: SLC1A2 (solute carrier family 1 member 2; minus strand). Cytogenetic location: 11p13.
Variant type: single nucleotide variant.
Coding change: c.1541T>C on transcript NM_004171.4 (MANE Select); coding-DNA position 1541, T replaced by C.
Protein change: p.Ile514Thr; replaces isoleucine 514 with threonine.
Molecular consequence: missense variant.
Genome position (GRCh38, 1-based): chr11:35,265,639, A>G on the plus strand (T>C on the coding strand, the complement: SLC1A2 is on the minus strand). VCF-style: chr11-35265639-A-G. GRCh37 (hg19) VCF-style: chr11-35287186-A-G.
Other names: c.1514T>C, p.Ile505Thr (NM_001195728.3, NM_001252652.2); c.1541T>C (NM_004171.3); short protein forms I505T, I514T.
Identifiers: ClinVar variation 1373953 (VCV001373953.7), dbSNP rs1368885873, ClinGen allele CA380118805.
Genomic context (GRCh38, chr11:35,265,639, plus strand): 5'-GAGTTGCTTTCCCTGTGGTTCTTCATGTCATCATAAATGGATTGAGTCTTGGTCATTTCA[A>G]TATCTTCATGCACTCGATGCTGGGAGTCAATGGTATCCAGCTCAGACTTGGAGAGGTGAT-3'
Protein context (NP_004162.2, residues 504-524): IDSQHRVHED[Ile514Thr]EMTKTQSIYD

ClinVar aggregate classification (germline): Uncertain significance. Review status: criteria provided, multiple submitters, no conflicts (2 of 4 stars). 2 submissions from 2 submitters: Uncertain significance (2). Last evaluated 2024-07-02.

Conditions:
Inborn genetic diseases. Identifiers: MedGen C0950123, MeSH D030342.

Allele frequency attached by ClinVar (database versions not stated): gnomAD exomes below 0.00001 and 0.00001; TOPMed 0.00001.
gnomAD v4.1: 3 of 1,612,948 alleles (0.00019%); highest among the groups gnomAD compares: Admixed American, 0.005%; no homozygotes.

Submissions (2):

Ambry Genetics
Classification: Uncertain significance for Inborn genetic diseases. Last evaluated: 2024-07-02. Review status: criteria provided, single submitter. Criteria: Ambry Variant Classification Scheme 2023. Collection method: clinical testing. Allele origin: germline.

Labcorp Genetics (formerly Invitae), Labcorp
Classification: Uncertain significance. Last evaluated: 2024-04-29. Review status: criteria provided, single submitter. Criteria: Invitae Variant Classification Sherloc (09022015). Collection method: clinical testing. Allele origin: germline.
Comment: This sequence change replaces isoleucine, which is neutral and non-polar, with threonine, which is neutral and polar, at codon 514 of the SLC1A2 protein (p.Ile514Thr). This variant is present in population databases (no rsID available, gnomAD 0.003%). This variant has not been reported in the literature in individuals affected with SLC1A2-related conditions. ClinVar contains an entry for this variant (Variation ID: 1373953). An algorithm developed to predict the effect of missense changes on protein structure and function (PolyPhen-2) suggests that this variant is likely to be tolerated. In summary, the available evidence is currently insufficient to determine the role of this variant in disease. Therefore, it has been classified as a Variant of Uncertain Significance.